The following is an entry in ClinVar:

NM_022773.4(LMF1):c.856C>T (p.Arg286Trp)

Gene: LMF1 (lipase maturation factor 1; minus strand). Cytogenetic location: 16p13.3.
Variant type: single nucleotide variant.
Coding change: c.856C>T on transcript NM_022773.4 (MANE Select); coding-DNA position 856, C replaced by T.
Protein change: p.Arg286Trp; replaces arginine 286 with tryptophan.
Molecular consequence: missense variant. On other transcripts: non-coding transcript variant (1).
Genome position (GRCh38, 1-based): chr16:879,611, G>A on the plus strand (C>T on the coding strand, the complement: LMF1 is on the minus strand). VCF-style: chr16-879611-G-A. GRCh37 (hg19) VCF-style: chr16-929611-G-A.
Other names: NC_000016.9:g.929611G>A; c.205C>T, p.Arg69Trp (NM_001352017.2, NM_001352021.2); c.457C>T, p.Arg153Trp (NM_001352018.2); c.529C>T, p.Arg177Trp (NM_001352019.2); c.856C>T, p.Arg286Trp (NM_001352020.1); short protein forms R177W, R286W, R69W, R153W.
Identifiers: ClinVar variation 4417426 (VCV004417426.2).

ClinVar aggregate classification (germline): Uncertain significance (1 of 4 stars; one submission).

gnomAD v4.1: 131 of 1,613,006 alleles (0.0081%); highest among the groups gnomAD compares: South Asian, 0.091%; 3 homozygotes.

Submissions (2):

Labcorp Genetics (formerly Invitae), Labcorp
Classification: Uncertain significance. Last evaluated: 2025-12-17. Review status: criteria provided, single submitter. Criteria: Invitae Variant Classification Sherloc (09022015). Collection method: clinical testing. Allele origin: germline.
Comment: This sequence change replaces arginine, which is basic and polar, with tryptophan, which is neutral and slightly polar, at codon 286 of the LMF1 protein (p.Arg286Trp). This variant is present in population databases (rs542258212, gnomAD 0.1%). This variant has not been reported in the literature in individuals affected with LMF1-related conditions. An algorithm developed to predict the effect of missense changes on protein structure and function (PolyPhen-2) suggests that this variant is likely to be disruptive. In summary, the available evidence is currently insufficient to determine the role of this variant in disease. Therefore, it has been classified as a Variant of Uncertain Significance.

Dr. Peter K. Rogan Lab, Western University
No classification provided (evidence only). Condition: Thyroid cancer, nonmedullary, 1. Review status: no classification provided. Collection method: in vitro. Allele origin: not applicable. Functional consequence: skipped exon. Not counted in ClinVar's aggregate classification.